The following is an entry in ClinVar:

ClinVar aggregate classification (germline): Uncertain significance. Review status: criteria provided, multiple submitters, no conflicts (2 of 4 stars). 2 submissions from 2 submitters: Uncertain significance (2). Last evaluated 2023-10-16.

Conditions:
DICER1-related tumor predisposition. Also called: DICER1 syndrome; DICER1-related pleuropulmonary blastoma cancer predisposition syndrome. Identifiers: Orphanet 284343, MedGen C3839822, MONDO:0100216.
Hereditary cancer-predisposing syndrome. Also called: Neoplastic Syndromes, Hereditary; Tumor predisposition; Hereditary Cancer Syndrome; Hereditary neoplastic syndrome. Identifiers: Orphanet 140162, MedGen C0027672, MeSH D009386, MONDO:0015356.

Allele frequency attached by ClinVar (database versions not stated): gnomAD exomes below 0.00001.
gnomAD v4.1: 3 of 1,614,146 alleles (0.00019%); highest among the groups gnomAD compares: Non-Finnish European, 0.00025%; no homozygotes.

Submissions (2):

Labcorp Genetics (formerly Invitae), Labcorp
Classification: Uncertain significance for DICER1-related tumor predisposition. Last evaluated: 2023-10-16. Review status: criteria provided, single submitter. Criteria: Invitae Variant Classification Sherloc (09022015). Collection method: clinical testing. Allele origin: germline.
Comment: This sequence change replaces proline, which is neutral and non-polar, with leucine, which is neutral and non-polar, at codon 1514 of the DICER1 protein (p.Pro1514Leu). This variant is not present in population databases (gnomAD no frequency). This variant has not been reported in the literature in individuals affected with DICER1-related conditions. ClinVar contains an entry for this variant (Variation ID: 1741365). An algorithm developed to predict the effect of missense changes on protein structure and function (PolyPhen-2) suggests that this variant is likely to be disruptive. In summary, the available evidence is currently insufficient to determine the role of this variant in disease. Therefore, it has been classified as a Variant of Uncertain Significance.

Ambry Genetics
Classification: Uncertain significance for Hereditary cancer-predisposing syndrome. Last evaluated: 2021-02-19. Review status: criteria provided, single submitter. Criteria: Ambry Variant Classification Scheme 2023. Collection method: clinical testing. Allele origin: germline.
Comment: The p.P1514L variant (also known as c.4541C>T), located in coding exon 22 of the DICER1 gene, results from a C to T substitution at nucleotide position 4541. The proline at codon 1514 is replaced by leucine, an amino acid with similar properties. This amino acid position is highly conserved in available vertebrate species. In addition, this alteration is predicted to be deleterious by in silico analysis. Since supporting evidence is limited at this time, the clinical significance of this alteration remains unclear.

NM_177438.3(DICER1):c.4541C>T (p.Pro1514Leu)

Gene: DICER1 (dicer 1, ribonuclease III; minus strand). Cytogenetic location: 14q32.13.
Variant type: single nucleotide variant.
Coding change: c.4541C>T on transcript NM_177438.3 (MANE Select); coding-DNA position 4541, C replaced by T.
Protein change: p.Pro1514Leu; replaces proline 1514 with leucine.
Molecular consequence: missense variant. On other transcripts: non-coding transcript variant (6).
Genome position (GRCh38, 1-based): chr14:95,096,379, G>A on the plus strand (C>T on the coding strand, the complement: DICER1 is on the minus strand). VCF-style: chr14-95096379-G-A. GRCh37 (hg19) VCF-style: chr14-95562716-G-A.
Other names: c.4541C>T, p.Pro1514Leu (NM_001395682.1, NM_001395683.1, NM_001395684.1 and 13 more transcripts); c.4259C>T, p.Pro1420Leu (NM_001395686.1); c.4136C>T, p.Pro1379Leu (NM_001395687.1, NM_001395688.1, NM_001395689.1 and 2 more transcripts); c.3974C>T, p.Pro1325Leu (NM_001395691.1); c.2858C>T, p.Pro953Leu (NM_001395697.1); short protein forms P1379L, P1514L, P1325L, P953L, P1420L.
Identifiers: ClinVar variation 1741365 (VCV001741365.5), dbSNP rs2139848431, ClinGen allele CA390867878.